The following is an entry in ClinVar:

ClinVar aggregate classification (germline): Uncertain significance (1 of 4 stars; one submission).

Submission:

Labcorp Genetics (formerly Invitae), Labcorp
Classification: Uncertain significance. Last evaluated: 2024-11-18. Review status: criteria provided, single submitter. Criteria: Invitae Variant Classification Sherloc (09022015). Collection method: clinical testing. Allele origin: germline.
Comment: This sequence change replaces glutamic acid, which is acidic and polar, with lysine, which is basic and polar, at codon 160 of the BICC1 protein (p.Glu160Lys). This variant is not present in population databases (gnomAD no frequency). This variant has not been reported in the literature in individuals affected with BICC1-related conditions. An algorithm developed to predict the effect of missense changes on protein structure and function (PolyPhen-2) suggests that this variant is likely to be disruptive. In summary, the available evidence is currently insufficient to determine the role of this variant in disease. Therefore, it has been classified as a Variant of Uncertain Significance.

NM_001080512.3(BICC1):c.478G>A (p.Glu160Lys)

Gene: BICC1 (BicC family RNA binding protein 1; plus strand). Cytogenetic location: 10q21.1.
Variant type: single nucleotide variant.
Coding change: c.478G>A on transcript NM_001080512.3 (MANE Select); coding-DNA position 478, G replaced by A.
Protein change: p.Glu160Lys; replaces glutamic acid 160 with lysine.
Molecular consequence: missense variant.
Genome position (GRCh38, 1-based): chr10:58,787,013, G>A. VCF-style: chr10-58787013-G-A. GRCh37 (hg19) VCF-style: chr10-60546773-G-A.
Other names: short protein forms E160K.
Identifiers: ClinVar variation 3722473 (VCV003722473.2).